The following is an entry in ClinVar:

ClinVar aggregate classification (germline): Uncertain significance (1 of 4 stars; one submission).

Conditions:
Severe combined immunodeficiency due to CORO1A deficiency. Also called: IMMUNODEFICIENCY 8 WITH LYMPHOPROLIFERATION; Immunodeficiency 8. Identifiers: Orphanet 228003, MedGen C3809383, MONDO:0014168, OMIM 615401.

gnomAD v4.1: 1 of 1,613,520 alleles (0.000062%); highest among the groups gnomAD compares: Non-Finnish European, 0.000085%; no homozygotes.

Submission:

Labcorp Genetics (formerly Invitae), Labcorp
Classification: Uncertain significance for Severe combined immunodeficiency due to CORO1A deficiency. Last evaluated: 2024-02-05. Review status: criteria provided, single submitter. Criteria: Invitae Variant Classification Sherloc (09022015). Collection method: clinical testing. Allele origin: germline.
Comment: This sequence change replaces proline, which is neutral and non-polar, with arginine, which is basic and polar, at codon 63 of the CORO1A protein (p.Pro63Arg). This variant is not present in population databases (gnomAD no frequency). This variant has not been reported in the literature in individuals affected with CORO1A-related conditions. ClinVar contains an entry for this variant (Variation ID: 2122452). Advanced modeling of protein sequence and biophysical properties (such as structural, functional, and spatial information, amino acid conservation, physicochemical variation, residue mobility, and thermodynamic stability) performed at Invitae indicates that this missense variant is not expected to disrupt CORO1A protein function with a negative predictive value of 80%. In summary, the available evidence is currently insufficient to determine the role of this variant in disease. Therefore, it has been classified as a Variant of Uncertain Significance.

NM_007074.4(CORO1A):c.188C>G (p.Pro63Arg)

Gene: CORO1A (coronin 1A; plus strand). Cytogenetic location: 16p11.2.
Variant type: single nucleotide variant.
Coding change: c.188C>G on transcript NM_007074.4 (MANE Select); coding-DNA position 188, C replaced by G.
Protein change: p.Pro63Arg; replaces proline 63 with arginine.
Molecular consequence: missense variant.
Genome position (GRCh38, 1-based): chr16:30,185,397, C>G. VCF-style: chr16-30185397-C-G. GRCh37 (hg19) VCF-style: chr16-30196718-C-G.
Other names: c.188C>G, p.Pro63Arg (NM_001193333.3); short protein forms P63R.
Identifiers: ClinVar variation 2122452 (VCV002122452.4), dbSNP rs2543751948, ClinGen allele CA395490511.